The following is an entry in ClinVar:

ClinVar aggregate classification (germline): Uncertain significance (1 of 4 stars; one submission).

Allele frequency attached by ClinVar (database versions not stated): ExAC 0.00003; TOPMed 0.00003; gnomAD exomes 0.00004; gnomAD 0.00005.
gnomAD v4.1: 69 of 1,609,650 alleles (0.0043%); highest among the groups gnomAD compares: Non-Finnish European, 0.0049%; no homozygotes.

Submission:

Labcorp Genetics (formerly Invitae), Labcorp
Classification: Uncertain significance. Last evaluated: 2022-08-16. Review status: criteria provided, single submitter. Criteria: Invitae Variant Classification Sherloc (09022015). Collection method: clinical testing. Allele origin: germline.
Comment: This variant has not been reported in the literature in individuals affected with FUK-related conditions. This variant is present in population databases (rs752659322, gnomAD 0.008%). This sequence change replaces arginine, which is basic and polar, with cysteine, which is neutral and slightly polar, at codon 418 of the FUK protein (p.Arg418Cys). Algorithms developed to predict the effect of missense changes on protein structure and function output the following: SIFT: "Deleterious"; PolyPhen-2: "Benign"; Align-GVGD: "Class C0". The cysteine amino acid residue is found in multiple mammalian species, which suggests that this missense change does not adversely affect protein function. In summary, the available evidence is currently insufficient to determine the role of this variant in disease. Therefore, it has been classified as a Variant of Uncertain Significance.

NM_145059.3(FCSK):c.1252C>T (p.Arg418Cys)

Gene: FCSK (fucose kinase; plus strand). Cytogenetic location: 16q22.1.
Variant type: single nucleotide variant.
Coding change: c.1252C>T on transcript NM_145059.3 (MANE Select); coding-DNA position 1252, C replaced by T.
Protein change: p.Arg418Cys; replaces arginine 418 with cysteine.
Molecular consequence: missense variant.
Genome position (GRCh38, 1-based): chr16:70,471,263, C>T. VCF-style: chr16-70471263-C-T. GRCh37 (hg19) VCF-style: chr16-70505166-C-T.
Other names: short protein forms R418C.
Identifiers: ClinVar variation 2184835 (VCV002184835.4), dbSNP rs752659322, ClinGen allele CA8143258.